The following is an entry in ClinVar:

ClinVar aggregate classification (germline): Benign/Likely benign. Review status: criteria provided, multiple submitters, no conflicts (2 of 4 stars). 6 submissions from 6 submitters: Benign (5); Likely benign (1). Last evaluated 2026-02-04.

Allele frequency attached by ClinVar (database versions not stated): 1000 Genomes Project 0.54173; 1000 Genomes Project 30x 0.55184; gnomAD exomes 0.56376 and 0.62382; ExAC 0.59817; TOPMed 0.64551; gnomAD 0.65016 and 0.66348; ESP Exome Variant Server 0.70316.
gnomAD v4.1: 1,007,265 of 1,610,200 alleles (63%); highest among the groups gnomAD compares: African/African-American, 78%; 324,213 homozygotes.

Submissions (6):

Labcorp Genetics (formerly Invitae), Labcorp
Classification: Benign. Last evaluated: 2026-02-04. Review status: criteria provided, single submitter. Criteria: Invitae Variant Classification Sherloc (09022015). Collection method: clinical testing. Allele origin: germline.

Mayo Clinic Laboratories, Mayo Clinic
Classification: Benign. Last evaluated: 2025-03-04. Review status: criteria provided, single submitter. Criteria: ACMG Guidelines, 2015. Collection method: clinical testing. Allele origin: germline. Observed: 421 variant alleles.
Comment: BA1, BS2, BP4, BP7

Blueprint Genetics
Classification: Likely benign. Last evaluated: 2024-11-28. Review status: criteria provided, single submitter. Criteria: ACMG Guidelines, 2015. Collection method: clinical testing. Allele origin: germline.

GeneDx
Classification: Benign. Last evaluated: 2018-07-09. Review status: criteria provided, single submitter. Criteria: GeneDx Variant Classification Process June 2021. Collection method: clinical testing. Allele origin: germline. Affected: yes.
Comment: This variant is associated with the following publications: (PMID: 28709878, 10830912)

Breakthrough Genomics
Classification: Benign. Review status: criteria provided, single submitter. Criteria: ACMG Guidelines, 2015. Collection method: not provided. Allele origin: germline. Inheritance: Autosomal dominant inheritance. Affected: yes.

PreventionGenetics, part of Exact Sciences
Classification: Benign. Review status: criteria provided, single submitter. Criteria: ACMG Guidelines, 2015. Collection method: clinical testing. Allele origin: germline.

Literature cited by the submitters: PubMed 16953279 (cited by Mayo Clinic Laboratories, Mayo Clinic); PubMed 23456445 (cited by Mayo Clinic Laboratories, Mayo Clinic); PubMed 28709878 (cited by Mayo Clinic Laboratories, Mayo Clinic); PubMed 30089223 (cited by Mayo Clinic Laboratories, Mayo Clinic).

NM_001060.6(TBXA2R):c.924T>C (p.Tyr308=)

Gene: TBXA2R (thromboxane A2 receptor; minus strand). Cytogenetic location: 19p13.3.
Variant type: single nucleotide variant.
Coding change: c.924T>C on transcript NM_001060.6 (MANE Select); coding-DNA position 924, T replaced by C.
Protein change: p.Tyr308=; no amino-acid change (tyrosine 308 retained).
Molecular consequence: synonymous variant.
Genome position (GRCh38, 1-based): chr19:3,595,796, A>G on the plus strand (T>C on the coding strand, the complement: TBXA2R is on the minus strand). VCF-style: chr19-3595796-A-G. GRCh37 (hg19) VCF-style: chr19-3595794-A-G.
Other names: p.Tyr308=; c.924T>C, p.Tyr308= (NM_201636.3).
Identifiers: ClinVar variation 263269 (VCV000263269.11), dbSNP rs4523, ClinGen allele CA9080740.